The following is an entry in ClinVar:

NM_182641.4(BPTF):c.1921_1923delinsTGG (p.Gly641Trp)

Gene: BPTF (bromodomain PHD finger transcription factor; plus strand). Cytogenetic location: 17q24.2.
Variant type: Indel.
Coding change: c.1921_1923delinsTGG on transcript NM_182641.4 (MANE Select); coding-DNA positions 1921 to 1923, GGA replaced by TGG.
Protein change: p.Gly641Trp; replaces glycine 641 with tryptophan.
Molecular consequence: missense variant.
Genome position (GRCh38, 1-based): chr17:67,891,900-67,891,902, GGA replaced by TGG. VCF-style: chr17-67891900-GGA-TGG. GRCh37 (hg19) VCF-style: chr17-65888016-GGA-TGG.
Other names: c.2110_2112delinsTGG, p.Gly704Trp (NM_001439139.1, NM_001439141.1, NM_001439143.1 and 1 more transcripts); c.2299_2301delinsTGG, p.Gly767Trp (NM_001439140.1, NM_001439142.1, NM_004459.7); short protein forms G641W, G704W, G767W.
Identifiers: ClinVar variation 5009364 (VCV005009364.1).
Genomic context (GRCh38, chr17:67,891,900, plus strand): 5'-ACAGTAGGTGATTTCAAATCGGAGAAGTCCAACGGGGAGCTAAGTGAATCTCCTGGAGCT[GGA>TGG]AAAGGAGCATCTGGCTCAACTCGAATCATCACCAGATTGCGGAATCCAGATAGCAAACTT-3'
Protein context (NP_872579.2, residues 631-651): NGELSESPGA[Gly641Trp]KGASGSTRII

ClinVar aggregate classification (germline): Uncertain significance (1 of 4 stars; one submission).

Submission:

GeneDx
Classification: Uncertain significance. Last evaluated: 2026-02-14. Review status: criteria provided, single submitter. Criteria: GeneDx Variant Classification Process June 2021. Collection method: clinical testing. Allele origin: germline.
Comment: Not observed at significant frequency in large population cohorts (gnomAD); In silico analysis supports a deleterious effect on protein structure/function; Has not been previously published as pathogenic or benign to our knowledge